The following is an entry in ClinVar:

NM_022437.3(ABCG8):c.554A>G (p.Asp185Gly)

Gene: ABCG8 (ATP binding cassette subfamily G member 8; plus strand). Cytogenetic location: 2p21.
Variant type: single nucleotide variant.
Coding change: c.554A>G on transcript NM_022437.3 (MANE Select); coding-DNA position 554, A replaced by G.
Protein change: p.Asp185Gly; replaces aspartic acid 185 with glycine.
Molecular consequence: missense variant.
Genome position (GRCh38, 1-based): chr2:43,851,815, A>G. VCF-style: chr2-43851815-A-G. GRCh37 (hg19) VCF-style: chr2-44078954-A-G.
Other names: c.554A>G, p.Asp185Gly (NM_001357321.2); short protein forms D185G.
Identifiers: ClinVar variation 4745228 (VCV004745228.1).

ClinVar aggregate classification (germline): Uncertain significance (1 of 4 stars; one submission).

Submission:

Labcorp Genetics (formerly Invitae), Labcorp
Classification: Uncertain significance. Last evaluated: 2025-11-17. Review status: criteria provided, single submitter. Criteria: Invitae Variant Classification Sherloc (09022015). Collection method: clinical testing. Allele origin: germline.
Comment: This sequence change replaces aspartic acid, which is acidic and polar, with glycine, which is neutral and non-polar, at codon 185 of the ABCG8 protein (p.Asp185Gly). This variant is not present in population databases (gnomAD no frequency). This variant has not been reported in the literature in individuals affected with ABCG8-related conditions. Invitae Evidence Modeling of protein sequence and biophysical properties (such as structural, functional, and spatial information, amino acid conservation, physicochemical variation, residue mobility, and thermodynamic stability) indicates that this missense variant is not expected to disrupt ABCG8 protein function with a negative predictive value of 80%. In summary, the available evidence is currently insufficient to determine the role of this variant in disease. Therefore, it has been classified as a Variant of Uncertain Significance.